The following is an entry in ClinVar:

ClinVar aggregate classification (germline): Uncertain significance (1 of 4 stars; one submission).

Conditions:
Deficiency of aromatic-L-amino-acid decarboxylase. Also called: Aromatic L-Amino Acid Decarboxylase Deficiency; Aromatic amino acid decarboxylase deficiency; AADC DEFICIENCY; DDC DEFICIENCY; DOPA DECARBOXYLASE DEFICIENCY. Identifiers: Orphanet 35708, MedGen C1291564, MONDO:0012084, OMIM 608643.

Submission:

Labcorp Genetics (formerly Invitae), Labcorp
Classification: Uncertain significance for Deficiency of aromatic-L-amino-acid decarboxylase. Last evaluated: 2021-07-16. Review status: criteria provided, single submitter. Criteria: Invitae Variant Classification Sherloc (09022015). Collection method: clinical testing. Allele origin: germline.
Comment: This sequence change replaces leucine with valine at codon 306 of the DDC protein (p.Leu306Val). The leucine residue is highly conserved and there is a small physicochemical difference between leucine and valine. This variant is not present in population databases (ExAC no frequency). This variant has not been reported in the literature in individuals affected with DDC-related conditions. Algorithms developed to predict the effect of missense changes on protein structure and function (SIFT, PolyPhen-2, Align-GVGD) all suggest that this variant is likely to be disruptive. In summary, the available evidence is currently insufficient to determine the role of this variant in disease. Therefore, it has been classified as a Variant of Uncertain Significance.

NM_001082971.2(DDC):c.916T>G (p.Leu306Val)

Gene: DDC (dopa decarboxylase; minus strand). Cytogenetic location: 7p12.2.
Variant type: single nucleotide variant.
Coding change: c.916T>G on transcript NM_001082971.2 (MANE Select); coding-DNA position 916, T replaced by G.
Protein change: p.Leu306Val; replaces leucine 306 with valine.
Molecular consequence: missense variant.
Genome position (GRCh38, 1-based): chr7:50,495,378, A>C on the plus strand (T>G on the coding strand, the complement: DDC is on the minus strand). VCF-style: chr7-50495378-A-C. GRCh37 (hg19) VCF-style: chr7-50563076-A-C.
Other names: c.772T>G, p.Leu258Val (NM_001242887.2); c.682T>G, p.Leu228Val (NM_001242888.2); c.802T>G, p.Leu268Val (NM_001242886.2); c.916T>G, p.Leu306Val (NM_000790.4, NM_001242890.2); c.637T>G, p.Leu213Val (NM_001242889.2); short protein forms L258V, L268V, L306V, L213V, L228V.
Identifiers: ClinVar variation 1405902 (VCV001405902.8), dbSNP rs1353941471, ClinGen allele CA367538086.